The following is an entry in ClinVar:

NM_014423.4(AFF4):c.397_399dup (p.Ser133_Gln134insSer)

Gene: AFF4 (ALF transcription elongation factor 4; minus strand). Cytogenetic location: 5q31.1.
Variant type: Duplication.
Coding change: c.397_399dup on transcript NM_014423.4 (MANE Select); coding-DNA positions 397 to 399, 3 bases duplicated (AGC; older notation c.397_399dupAGC).
Protein change: p.Ser133_Gln134insSer.
Molecular consequence: inframe insertion.
Genome position (GRCh38, 1-based): chr5:132,934,666-132,934,668, GCT duplicated on the plus strand (AGC on the coding strand, the reverse complement: AFF4 is on the minus strand). VCF-style (leftmost placement, unchanged base first): chr5-132934665-G-GGCT. GRCh37 (hg19) VCF-style: chr5-132270357-G-GGCT.
Identifiers: ClinVar variation 1968400 (VCV001968400.5), dbSNP rs1219668523, ClinGen allele CA804064438.

ClinVar aggregate classification (germline): Uncertain significance (1 of 4 stars; one submission).

Conditions:
Cognitive impairment - coarse facies - heart defects - obesity - pulmonary involvement - short stature - skeletal dysplasia syndrome. Also called: AFF4-Related CHOPS Syndrome; COGNITIVE IMPAIRMENT, COARSE FACIES, HEART DEFECTS, OBESITY, PULMONARY INVOLVEMENT, SHORT STATURE, AND SKELETAL DYSPLASIA; Chops syndrome. Identifiers: Orphanet 444077, MedGen C4085597, MONDO:0014609, OMIM 616368.

Allele frequency attached by ClinVar (database versions not stated): gnomAD exomes below 0.00001; gnomAD 0.00001; TOPMed 0.00001.

Submission:

Labcorp Genetics (formerly Invitae), Labcorp
Classification: Uncertain significance for Cognitive impairment - coarse facies - heart defects - obesity - pulmonary involvement - short stature - skeletal dysplasia syndrome. Last evaluated: 2022-05-18. Review status: criteria provided, single submitter. Criteria: Invitae Variant Classification Sherloc (09022015). Collection method: clinical testing. Allele origin: germline.
Comment: This variant, c.397_399dup, results in the insertion of 1 amino acid(s) of the AFF4 protein (p.Ser133dup), but otherwise preserves the integrity of the reading frame. In summary, the available evidence is currently insufficient to determine the role of this variant in disease. Therefore, it has been classified as a Variant of Uncertain Significance. This variant has not been reported in the literature in individuals affected with AFF4-related conditions. This variant is not present in population databases (gnomAD no frequency).